The following is an entry in ClinVar:

ClinVar aggregate classification (germline): Conflicting classifications of pathogenicity. Review status: criteria provided, conflicting classifications (1 of 4 stars). 13 submissions from 13 submitters: Uncertain significance (3); Likely benign (8). 2 of the submissions do not count toward it. Last evaluated 2026-01-26.

Conditions:
BRCA2-related disorder. Also called: BRCA2-related condition; BRCA2-related disorders. Identifiers: MedGen CN239275.
Hereditary cancer-predisposing syndrome. Also called: Hereditary Cancer Syndrome; Neoplastic Syndromes, Hereditary; Hereditary neoplastic syndrome; Tumor predisposition. Identifiers: Orphanet 140162, MedGen C0027672, MeSH D009386, MONDO:0015356.
Hereditary breast ovarian cancer syndrome. Also called: Hereditary breast and ovarian cancer syndrome; Breast and ovarian cancer; BRCA1- and BRCA2-Associated Hereditary Breast and Ovarian Cancer; Hereditary breast and/or ovarian cancer syndrome; Hereditary breast and ovarian cancer; Hereditary breast and ovarian cancer syndrome (HBOC). Identifiers: Orphanet 145, MedGen C0677776, MeSH D061325, MONDO:0003582. Disease mechanism: loss of function.
Breast-ovarian cancer, familial, susceptibility to, 2 (BROVCA2). Also called: BRCA2 Hereditary Breast and Ovarian Cancer. Identifiers: Orphanet 145, MedGen C2675520, MONDO:0012933, OMIM 612555. Disease mechanism: loss of function.

Allele frequency attached by ClinVar (database versions not stated): TOPMed 0.00002; gnomAD exomes 0.00003 and 0.00006; ExAC 0.00007.
gnomAD v4.1: 18 of 1,614,094 alleles (0.0011%); highest among the groups gnomAD compares: Admixed American, 0.027%; no homozygotes.

Submissions (13):

Labcorp Genetics (formerly Invitae), Labcorp
Classification: Likely benign for Hereditary breast ovarian cancer syndrome. Last evaluated: 2026-01-26. Review status: criteria provided, single submitter. Criteria: Invitae Variant Classification Sherloc (09022015). Collection method: clinical testing. Allele origin: germline.

PreventionGenetics, part of Exact Sciences
Classification: Likely benign for BRCA2-related condition. Last evaluated: 2026-01-26. Review status: criteria provided, single submitter. Criteria: ACMG Guidelines, 2015. Collection method: clinical testing. Allele origin: germline.
Comment: This variant is classified as likely benign based on ACMG/AMP sequence variant interpretation guidelines (Richards et al. 2015 PMID: 25741868, with internal and published modifications).

Women's Health and Genetics/Laboratory Corporation of America, LabCorp
Classification: Likely benign. Last evaluated: 2025-11-25. Review status: criteria provided, single submitter. Criteria: LabCorp Variant Classification Summary - May 2015. Collection method: clinical testing. Allele origin: germline.
Comment: Variant summary: BRCA2 c.9454G>A (p.Glu3152Lys) results in a conservative amino acid change located in the BRCA2, OB3 Domain of the encoded protein sequence. Algorithms developed to predict the effect of missense changes on protein structure and function are either unavailable or do not agree on the potential impact of this missense change. The variant allele was found at a frequency of 5.6e-05 in 251250 control chromosomes, predominantly at a frequency of 0.00041 within the Latino subpopulation in the gnomAD database. This frequency is not significantly higher than estimated for disease-causing variants in BRCA2, allowing no conclusion about variant significance. To our knowledge, no occurrence of c.9454G>A in individuals affected with BRCA2-related conditions has been reported. The variant was reported to have similar HDR activity compared to wild-type in three independently published studies, evidence supporting no damaging effect of this variant (Hart_2018, Guidugli_2018, Richardson_2021). HDR assays qualify as a recognized gold standard on the basis of updated guidance provided by the ClinGen Sequence Variant Interpretation (SVI) working group. The following publications have been ascertained in the context of this evaluation (PMID: 19043619, 17899372, 25382762, 29884841, 29394989, 33609447). ClinVar contains an entry for this variant (Variation ID: 52838). Based on the evidence outlined above, the variant was classified as likely benign.

All of Us Research Program, National Institutes of Health
Classification: Likely benign for Breast-ovarian cancer, familial, susceptibility to, 2. Last evaluated: 2023-07-10. Review status: criteria provided, single submitter. Criteria: ACMG Guidelines, 2015. Collection method: clinical testing. Allele origin: germline. Inheritance: Autosomal dominant inheritance. Observed: 2 variant alleles, 2 heterozygotes.
Comment: This study involves interpretation of variants in research participants for the purpose of population health screening. Participant phenotype was not available at the time of variant classification. Additional details can be found in publication PMID: 35346344, PMCID: PMC8962531

Quest Diagnostics Nichols Institute San Juan Capistrano
Classification: Likely benign. Last evaluated: 2022-05-25. Review status: criteria provided, single submitter. Criteria: Quest Diagnostics criteria. Collection method: clinical testing. Allele origin: unknown.

Revvity Omics, Revvity
Classification: Uncertain significance. Last evaluated: 2022-01-28. Review status: criteria provided, single submitter. Criteria: ACMG Guidelines, 2015. Collection method: clinical testing. Allele origin: germline.

Sema4
Classification: Uncertain significance for Hereditary cancer-predisposing syndrome. Last evaluated: 2021-08-09. Review status: criteria provided, single submitter. Criteria: Sema4 Curation Guidelines. Collection method: curation. Allele origin: germline.
Comment: To the best of our knowledge, the BRCA2 c.9454G>A (p.E3152K) variant has not been reported in individuals with BRCA2-related disease but was reported in a cohort of individuals undergoing BRCA1 and 2 testing (phenotypic status unknown) (PMID: 29394989). It was observed in 14/34566 chromosomes of the Latino subpopulation in the large and broad cohorts of the Genome Aggregation Database (PMID: 32461654). The variant has been reported in ClinVar (Variation ID 52838). In homology-directed repair studies, the variant showed similar to normal function (PMID: 29394989, 29884841). The evidence is insufficient to meet ACMG/AMP criteria for classifying the variant as benign or pathogenic. Thus, the clinical significance of this variant is currently uncertain.

Mayo Clinic Laboratories, Mayo Clinic
Classification: Uncertain significance. Last evaluated: 2020-12-14. Review status: criteria provided, single submitter. Criteria: ACMG Guidelines, 2015. Collection method: clinical testing. Allele origin: germline. Observed: 1 variant allele.

Ambry Genetics
Classification: Likely benign for Hereditary cancer-predisposing syndrome. Last evaluated: 2018-08-03. Review status: criteria provided, single submitter. Criteria: Ambry Variant Classification Scheme 2023. Collection method: clinical testing. Allele origin: germline.

GeneDx
Classification: Likely benign. Last evaluated: 2017-11-03. Review status: criteria provided, single submitter. Criteria: GeneDx Variant Classification Process June 2021. Collection method: clinical testing. Allele origin: germline. Affected: yes.
Comment: In silico analysis supports that this missense variant does not alter protein structure/function; This variant is associated with the following publications: (PMID: 25382762, 17899372, 19043619, 31131967, 29394989, 29884841)

Color Diagnostics, LLC DBA Color Health
Classification: Likely benign for Hereditary cancer-predisposing syndrome. Last evaluated: 2017-06-21. Review status: criteria provided, single submitter. Criteria: ACMG Guidelines, 2015. Collection method: clinical testing. Allele origin: germline.

Sharing Clinical Reports Project (SCRP)
Classification: Likely benign for Breast-ovarian cancer, familial 2. Last evaluated: 2012-07-25. Review status: no assertion criteria provided. Collection method: clinical testing. Allele origin: germline. Not counted in ClinVar's aggregate classification.

Breast Cancer Information Core (BIC) (BRCA2)
Classification: Uncertain significance for Breast-ovarian cancer, familial 2. Last evaluated: 2002-05-29. Review status: no assertion criteria provided. Collection method: clinical testing. Allele origin: germline. Affected: yes. Observed: 3 variant alleles. Not counted in ClinVar's aggregate classification.

Literature cited by the submitters: PubMed 19043619 (cited by 3 submitters); PubMed 17899372 (cited by 3 submitters); PubMed 25382762 (cited by Women's Health and Genetics/Laboratory Corporation of America, LabCorp and Quest Diagnostics Nichols Institute San Juan Capistrano); PubMed 29884841 (cited by 3 submitters); PubMed 29394989 (cited by 3 submitters); PubMed 33609447 (cited by Women's Health and Genetics/Laboratory Corporation of America, LabCorp and Quest Diagnostics Nichols Institute San Juan Capistrano).

NM_000059.4(BRCA2):c.9454G>A (p.Glu3152Lys)

Gene: BRCA2 (BRCA2 DNA repair associated; plus strand). Cytogenetic location: 13q13.1.
Variant type: single nucleotide variant.
Coding change: c.9454G>A on transcript NM_000059.4 (MANE Select); coding-DNA position 9454, G replaced by A.
Protein change: p.Glu3152Lys; replaces glutamic acid 3152 with lysine.
Molecular consequence: missense variant.
Genome position (GRCh38, 1-based): chr13:32,394,886, G>A. VCF-style: chr13-32394886-G-A. GRCh37 (hg19) VCF-style: chr13-32969023-G-A.
Other names: p.E3152K:GAG>AAG; 9682G>A; short protein forms E3152K.
Identifiers: ClinVar variation 52838 (VCV000052838.37), dbSNP rs80359218, ClinGen allele CA026162.